The following is an entry in ClinVar:

NM_030962.4(SBF2):c.4523G>A (p.Arg1508His)

Genes: SBF2 (SET binding factor 2; minus strand), SBF2-AS1 (SBF2 antisense RNA 1; plus strand). Cytogenetic location: 11p15.4.
Variant type: single nucleotide variant.
Coding change: c.4523G>A on transcript NM_030962.4 (MANE Select); coding-DNA position 4523, G replaced by A.
Protein change: p.Arg1508His; replaces arginine 1508 with histidine.
Molecular consequence: missense variant.
Genome position (GRCh38, 1-based): chr11:9,795,878, C>T on the plus strand (G>A on the coding strand, the complement: SBF2 is on the minus strand). VCF-style: chr11-9795878-C-T. GRCh37 (hg19) VCF-style: chr11-9817425-C-T.
Other names: c.4619G>A, p.Arg1540His (NM_001386339.1); c.4394G>A, p.Arg1465His (NM_001386342.1); short protein forms R1508H, R1465H, R1540H.
Identifiers: ClinVar variation 543414 (VCV000543414.9), dbSNP rs770619905, ClinGen allele CA5880962.
Genomic context (GRCh38, chr11:9,795,878, plus strand): 5'-TACAGACACATACCGTGCTCTAATCTTTCATAGTCTGAATCCAGGAGAAATGTTTTAAAG[C>T]GATTAGACACATAGTGGAAAGCCAAGAACTTTAAGTAATAGAGATTGAATTCAAACTCAG-3'
Protein context (NP_112224.1, residues 1498-1518): KFLAFHYVSN[Arg1508His]FKTFLLDSDY

ClinVar aggregate classification (germline): Uncertain significance. Review status: criteria provided, multiple submitters, no conflicts (2 of 4 stars). 4 submissions from 4 submitters: Uncertain significance (4). Last evaluated 2025-01-19.

Conditions:
Charcot-Marie-Tooth disease type 4. Also called: Charcot-Marie-Tooth, Type 4; Charcot-Marie-Tooth disease, type IV. Identifiers: Orphanet 64749, MedGen C4082197, MONDO:0018995.
Inborn genetic diseases. Identifiers: MedGen C0950123, MeSH D030342.

Allele frequency attached by ClinVar (database versions not stated): gnomAD 0.00002 and 0.00004; ExAC 0.00003; gnomAD exomes 0.00003 and 0.00005; TOPMed 0.00005.
gnomAD v4.1: 42 of 1,613,428 alleles (0.0026%); highest among the groups gnomAD compares: Admixed American, 0.013%; no homozygotes.

Submissions (4):

Ambry Genetics
Classification: Uncertain significance for Inborn genetic diseases. Last evaluated: 2025-01-19. Review status: criteria provided, single submitter. Criteria: Ambry Variant Classification Scheme 2023. Collection method: clinical testing. Allele origin: germline.

Labcorp Genetics (formerly Invitae), Labcorp
Classification: Uncertain significance for Charcot-Marie-Tooth disease type 4. Last evaluated: 2022-03-24. Review status: criteria provided, single submitter. Criteria: Invitae Variant Classification Sherloc (09022015). Collection method: clinical testing. Allele origin: germline.
Comment: This sequence change replaces arginine, which is basic and polar, with histidine, which is basic and polar, at codon 1508 of the SBF2 protein (p.Arg1508His). This variant is present in population databases (rs770619905, gnomAD 0.01%). This variant has not been reported in the literature in individuals affected with SBF2-related conditions. ClinVar contains an entry for this variant (Variation ID: 543414). Algorithms developed to predict the effect of missense changes on protein structure and function are either unavailable or do not agree on the potential impact of this missense change (SIFT: "Tolerated"; PolyPhen-2: "Probably Damaging"; Align-GVGD: "Class C0"). In summary, the available evidence is currently insufficient to determine the role of this variant in disease. Therefore, it has been classified as a Variant of Uncertain Significance.

GeneDx
Classification: Uncertain significance. Last evaluated: 2022-01-25. Review status: criteria provided, single submitter. Criteria: GeneDx Variant Classification Process June 2021. Collection method: clinical testing. Allele origin: germline. Affected: yes.
Comment: In silico analysis supports that this missense variant has a deleterious effect on protein structure/function; Has not been previously published as pathogenic or benign to our knowledge

Athena Diagnostics
Classification: Uncertain significance. Last evaluated: 2020-08-14. Review status: criteria provided, single submitter. Criteria: Athena Diagnostics Criteria. Collection method: clinical testing. Allele origin: unknown.